The following is an entry in ClinVar:

NM_005458.8(GABBR2):c.321+1G>A

Gene: GABBR2 (gamma-aminobutyric acid type B receptor subunit 2; minus strand). Cytogenetic location: 9q22.33.
Variant type: single nucleotide variant.
Coding change: c.321+1G>A on transcript NM_005458.8 (MANE Select); the canonical splice donor site of the intron after coding-DNA position 321, G replaced by A.
Molecular consequence: splice donor variant.
Genome position (GRCh38, 1-based): chr9:98,708,416, C>T on the plus strand (G>A on the coding strand, the complement: GABBR2 is on the minus strand). VCF-style: chr9-98708416-C-T. GRCh37 (hg19) VCF-style: chr9-101470698-C-T.
Identifiers: ClinVar variation 3602354 (VCV003602354.1).

ClinVar aggregate classification (germline): Uncertain significance (1 of 4 stars; one submission).

Submission:

GeneDx
Classification: Uncertain significance. Last evaluated: 2024-07-30. Review status: criteria provided, single submitter. Criteria: GeneDx Variant Classification Process June 2021. Collection method: clinical testing. Allele origin: germline. Affected: yes.
Comment: Not observed at significant frequency in large population cohorts (gnomAD); Canonical splice site variant in a gene or region of a gene for which loss of function is not a well-established mechanism of disease; Has not been previously published as pathogenic or benign to our knowledge